The following is an entry in ClinVar:

NM_174936.4(PCSK9):c.2068G>A (p.Glu690Lys)

Gene: PCSK9 (proprotein convertase subtilisin/kexin type 9; plus strand). Cytogenetic location: 1p32.3.
Variant type: single nucleotide variant.
Coding change: c.2068G>A on transcript NM_174936.4 (MANE Select); coding-DNA position 2068, G replaced by A.
Protein change: p.Glu690Lys; replaces glutamic acid 690 with lysine.
Molecular consequence: missense variant.
Genome position (GRCh38, 1-based): chr1:55,063,573, G>A. VCF-style: chr1-55063573-G-A. GRCh37 (hg19) VCF-style: chr1-55529246-G-A.
Other names: c.2191G>A, p.Glu731Lys (NM_001407240.1); c.2110G>A, p.Glu704Lys (NM_001407241.1); c.2071G>A, p.Glu691Lys (NM_001407242.1); c.2011G>A, p.Glu671Lys (NM_001407243.1); c.1894G>A, p.Glu632Lys (NM_001407244.1); c.1876G>A, p.Glu626Lys (NM_001407245.1); c.1693G>A, p.Glu565Lys (NM_001407246.1); c.1567G>A, p.Glu523Lys (NM_001407247.1); short protein forms E690K, E565K, E632K, E523K, E626K, E671K, E691K, E704K.
Identifiers: ClinVar variation 1172058 (VCV001172058.4), dbSNP rs1557509919, ClinGen allele CA340480941.

ClinVar aggregate classification (germline): Uncertain significance (1 of 4 stars; one submission).

Conditions:
Familial hypercholesterolemia. Also called: Familial hypercholesterolaemia. Identifiers: MedGen C0020445, MONDO:0005439.

Submission:

Color Diagnostics, LLC DBA Color Health
Classification: Uncertain significance for Familial hypercholesterolemia. Last evaluated: 2024-03-06. Review status: criteria provided, single submitter. Criteria: ACMG Guidelines, 2015. Collection method: clinical testing. Allele origin: germline.
Comment: This missense variant replaces glutamic acid with lysine at codon 690 of the PCSK9 protein. Computational prediction suggests that this variant may not impact protein structure and function (internally defined REVEL score threshold <= 0.5, PMID: 27666373). To our knowledge, functional studies have not been reported for this variant. This variant has not been reported in individuals affected with familial hypercholesterolemia in the literature. This variant has not been identified in the general population by the Genome Aggregation Database (gnomAD). The available evidence is insufficient to determine the role of this variant in disease conclusively. Therefore, this variant is classified as a Variant of Uncertain Significance.